The following is an entry in ClinVar:

ClinVar aggregate classification (germline): Benign (1 of 4 stars; one submission).

Allele frequency attached by ClinVar (database versions not stated): 1000 Genomes Project 30x 0.88773; TOPMed 0.89572; 1000 Genomes Project 0.89776; gnomAD 0.90227 and 0.90890.
gnomAD v4.1: 138,506 of 152,218 alleles (91%); highest among the groups gnomAD compares: East Asian, 100%; 64,474 homozygotes.

Submission:

GeneDx
Classification: Benign. Last evaluated: 2018-06-15. Review status: criteria provided, single submitter. Criteria: GeneDx Variant Classification (06012015). Collection method: clinical testing. Allele origin: germline. Affected: yes.
Comment: This variant is considered likely benign or benign based on one or more of the following criteria: it is a conservative change, it occurs at a poorly conserved position in the protein, it is predicted to be benign by multiple in silico algorithms, and/or has population frequency not consistent with disease.

NM_001035.3(RYR2):c.10689+177C>T

Gene: RYR2 (ryanodine receptor 2; plus strand). Cytogenetic location: 1q43.
Variant type: single nucleotide variant.
Coding change: c.10689+177C>T on transcript NM_001035.3 (MANE Select); 177 bases into the intron after coding-DNA position 10689, C replaced by T.
Molecular consequence: intron variant.
Genome position (GRCh38, 1-based): chr1:237,723,439, C>T. VCF-style: chr1-237723439-C-T. GRCh37 (hg19) VCF-style: chr1-237886739-C-T.
Identifiers: ClinVar variation 672102 (VCV000672102.1), dbSNP rs2797444, ClinGen allele CA10934868.